The following is an entry in ClinVar:

ClinVar aggregate classification (germline): Uncertain significance. Review status: criteria provided, multiple submitters, no conflicts (2 of 4 stars). 2 submissions from 2 submitters: Uncertain significance (2). Last evaluated 2024-05-30.

Conditions:
Brugada syndrome. Also called: Sudden Unexplained Death Syndrome; Sudden Unexplained Nocturnal Death Syndrome (SUNDS); Sudden unexpected nocturnal death syndrome; Sudden unexplained nocturnal death syndrome. Identifiers: Orphanet 130, MedGen C1142166, MONDO:0015263.

Allele frequency attached by ClinVar (database versions not stated): gnomAD exomes below 0.00001; gnomAD 0.00001.
gnomAD v4.1: 4 of 1,586,556 alleles (0.00025%); highest among the groups gnomAD compares: Non-Finnish European, 0.00034%; no homozygotes.

Submissions (2):

Ambry Genetics
Classification: Uncertain significance. Last evaluated: 2024-05-30. Review status: criteria provided, single submitter. Criteria: Ambry Variant Classification Scheme 2023. Collection method: clinical testing. Allele origin: germline.
Comment: The p.R270T variant (also known as c.809G>C), located in coding exon 8 of the SLMAP gene, results from a G to C substitution at nucleotide position 809. The arginine at codon 270 is replaced by threonine, an amino acid with similar properties. This amino acid position is conserved. In addition, the in silico prediction for this alteration is inconclusive. Based on the available evidence, the clinical significance of this variant remains unclear.

Labcorp Genetics (formerly Invitae), Labcorp
Classification: Uncertain significance for Brugada syndrome. Last evaluated: 2023-04-09. Review status: criteria provided, single submitter. Criteria: Invitae Variant Classification Sherloc (09022015). Collection method: clinical testing. Allele origin: germline.
Comment: In summary, the available evidence is currently insufficient to determine the role of this variant in disease. Therefore, it has been classified as a Variant of Uncertain Significance. Algorithms developed to predict the effect of sequence changes on RNA splicing suggest that this variant may disrupt the consensus splice site. An algorithm developed to predict the effect of missense changes on protein structure and function (PolyPhen-2) suggests that this variant is likely to be tolerated. This variant has not been reported in the literature in individuals affected with SLMAP-related conditions. This variant is not present in population databases (gnomAD no frequency). This sequence change replaces arginine, which is basic and polar, with threonine, which is neutral and polar, at codon 270 of the SLMAP protein (p.Arg270Thr).

NM_001377540.1(SLMAP):c.809G>C (p.Arg270Thr)

Gene: SLMAP (sarcolemma associated protein; plus strand). Cytogenetic location: 3p14.3.
Variant type: single nucleotide variant.
Coding change: c.809G>C on transcript NM_001377540.1 (MANE Select); coding-DNA position 809, G replaced by C.
Protein change: p.Arg270Thr; replaces arginine 270 with threonine.
Molecular consequence: missense variant. On other transcripts: non-coding transcript variant (1).
Genome position (GRCh38, 1-based): chr3:57,860,820, G>C. VCF-style: chr3-57860820-G-C. GRCh37 (hg19) VCF-style: chr3-57846547-G-C.
Other names: c.809G>C, p.Arg270Thr (NM_001304420.3, NM_001304421.2, NM_001377538.1 and 17 more transcripts); c.809G>C (NM_007159.2); short protein forms R270T.
Identifiers: ClinVar variation 2788158 (VCV002788158.4), dbSNP rs1211281068, ClinGen allele CA353407735.